The following is an entry in ClinVar:

NM_000363.5(TNNI3):c.610C>A (p.Arg204Ser)

Gene: TNNI3 (troponin I3, cardiac type; minus strand). Cytogenetic location: 19q13.42.
Variant type: single nucleotide variant.
Coding change: c.610C>A on transcript NM_000363.5 (MANE Select); coding-DNA position 610, C replaced by A.
Protein change: p.Arg204Ser; replaces arginine 204 with serine.
Molecular consequence: missense variant.
Genome position (GRCh38, 1-based): chr19:55,151,857, G>T on the plus strand (C>A on the coding strand, the complement: TNNI3 is on the minus strand). VCF-style: chr19-55151857-G-T. GRCh37 (hg19) VCF-style: chr19-55663225-G-T.
Other names: c.610C>A (LRG_432t1); short protein forms R204S.
Identifiers: ClinVar variation 454412 (VCV000454412.7), dbSNP rs727504243, ClinGen allele CA407439464.

ClinVar aggregate classification (germline): Uncertain significance (1 of 4 stars; one submission).

Conditions:
Hypertrophic cardiomyopathy. Also called: HYPERTROPHIC MYOCARDIOPATHY. Identifiers: Orphanet 217569, MedGen C0007194, MeSH D002312, MONDO:0005045, HP:0001639.

Submission:

Labcorp Genetics (formerly Invitae), Labcorp
Classification: Uncertain significance for Hypertrophic cardiomyopathy. Last evaluated: 2017-04-13. Review status: criteria provided, single submitter. Criteria: Invitae Variant Classification Sherloc (09022015). Collection method: clinical testing. Allele origin: germline.
Comment: In summary, this variant is a rare missense change that affects a residue important for protein function. This evidence indicates that the variant is pathogenic, but additional clinical and functional data data is needed to prove that conclusively. Therefore, this variant has been classified as a Variant of Uncertain Significance. Different missense substitutions at this codon (p.Arg204His and p.Arg204Cys) have been determined to be pathogenic (PMID: 15698845, 20569525, 23906401, 27532257, 18801787, 27895589). This suggests that the arginine residue is critical for TNNI3 protein function and that other missense substitutions at this position may also be pathogenic. This variant is not present in population databases (ExAC no frequency) and has not been reported in the literature in individuals with a TNNI3-related disease. This sequence change replaces arginine with serine at codon 204 of the TNNI3 protein (p.Arg204Ser). The arginine residue is highly conserved and there is a moderate physicochemical difference between arginine and serine.

Literature cited by the submitters: PubMed 15698845; PubMed 20569525; PubMed 23906401; PubMed 27532257; PubMed 18801787; PubMed 27895589.